The following is an entry in ClinVar:

NM_016042.4(EXOSC3):c.624_626+1del

Gene: EXOSC3 (exosome component 3; minus strand). Cytogenetic location: 9p13.2.
Variant type: Deletion.
Coding change: c.624_626+1del on transcript NM_016042.4 (MANE Select); coding-DNA position 624 through the canonical splice donor site of the intron after coding-DNA position 626, 4 bases deleted (AAAG; older notation c.624_626+1delAAAG).
Molecular consequence: splice donor variant. On other transcripts: intron variant (1).
Genome position (GRCh38, 1-based): chr9:37,781,985-37,781,988, CTTT deleted on the plus strand (AAAG on the coding strand, the reverse complement: EXOSC3 is on the minus strand); deleting any 4 consecutive bases within chr9:37,781,985-37,781,990 gives the same sequence; the c. name uses the placement nearest the transcript's 3' end. VCF-style (leftmost placement, unchanged base first): chr9-37781984-ACTTT-A. GRCh37 (hg19) VCF-style: chr9-37781981-ACTTT-A.
Other names: c.475-1108_475-1105del (NM_001002269.2).
Identifiers: ClinVar variation 1329042 (VCV001329042.3), dbSNP rs769374744, ClinGen allele CA5062714.
Genomic context (GRCh38, chr9:37,781,984, plus strand): 5'-ACCAACTTTCCAAGAATGTATAATTATAAAAAGCAGTCAAGCCAGCAGACATCAGGACTT[ACTTT>A]CTAATTAAGCCCAGAGTCACTTTAAAAAGCAGACCATCCTGTCCAATGACACCCATTCCA-3'

ClinVar aggregate classification (germline): Likely pathogenic. Review status: criteria provided, multiple submitters, no conflicts (2 of 4 stars). 3 submissions from 3 submitters: Likely pathogenic (3). Last evaluated 2025-09-19.

Conditions:
Pontocerebellar hypoplasia type 1B. Also called: EXOSC3 Pontocerebellar Hypoplasia. Identifiers: Orphanet 2254, MedGen C3553449, MONDO:0013853, OMIM 614678.
Pontoneocerebellar hypoplasia. Also called: Pontocerebellar hypoplasia; Non-syndromic pontocerebellar hypoplasia. Identifiers: Orphanet 98523, MedGen C1261175, MONDO:0020135.

Submissions (3):

First Genomix Gene Laboratory, Genetic Diagnostics Department
Classification: Likely pathogenic for Pontocerebellar hypoplasia type 1B. Last evaluated: 2025-09-19. Review status: criteria provided, single submitter. Criteria: ACMG Guidelines, 2015. Collection method: clinical testing. Allele origin: germline. Inheritance: Autosomal recessive inheritance. Affected: no. Observed: 1 variant allele.

Neuberg Centre For Genomic Medicine, NCGM
Classification: Likely pathogenic for Pontocerebellar hypoplasia type 1B. Last evaluated: 2023-05-20. Review status: criteria provided, single submitter. Criteria: ACMG Guidelines, 2015. Collection method: clinical testing. Allele origin: germline. Inheritance: Autosomal recessive inheritance. Affected: yes.
Comment: The observed splice donor c.624_626+1del variant in EXOSC3 gene has not been reported previously as a pathogenic variant nor as a benign variant, to our knowledge. This variant is reported with the allele frequency of 0.0008% in the gnomAD Exomes. This variant has been reported to the ClinVar database as Likely Pathogenic. The variant affects the GT donor splice site downstream of exon 3. This variant is predicted to cause loss of normal protein function through protein truncation. Loss of function variants have been previously reported to be disease causing. The spliceAI tool predicts that this splice site variant is damaging. For these reasons, this variant has been classified as Likely Pathogenic.

Women's Health and Genetics/Laboratory Corporation of America, LabCorp
Classification: Likely pathogenic for Pontoneocerebellar hypoplasia. Last evaluated: 2021-11-18. Review status: criteria provided, single submitter. Criteria: LabCorp Variant Classification Summary - May 2015. Collection method: clinical testing. Allele origin: germline.
Comment: Variant summary: EXOSC3 c.624_626+1delAAAG is located in a canonical splice-site and is predicted to affect mRNA splicing resulting in a significantly altered protein due to either exon skipping, shortening, or inclusion of intronic material. Several computational tools predict a significant impact on normal splicing: Four predict the variant abolishes the canonical 5' splicing donor site. Four predict the variant creates an alternate canonical 5' splice donor site that would be predicted to result in a frameshifted transcript. However, these predictions have yet to be confirmed by functional studies. The variant allele was found at a frequency of 8e-06 in 250206 control chromosomes. To our knowledge, no occurrence of c.624_626+1delAAAG in individuals affected with Pontocerebellar Hypoplasia, Type 1B and no experimental evidence demonstrating its impact on protein function have been reported. At-least one additional loss of function variant downstream of this location has been reported in the context of a Pontocerebellar hypoplasia phenotype in the HGMD database (c.743_749delTAATTTTinsA, p.Leu248*). No clinical diagnostic laboratories have submitted clinical-significance assessments for this variant to ClinVar after 2014. Based on the evidence outlined above, the variant was classified as likely pathogenic.